The following is an entry in ClinVar:

ClinVar aggregate classification (germline): Uncertain significance (1 of 4 stars; one submission).

Conditions:
Nephropathic cystinosis (CTNS). Also called: CYSTINOSIN, DEFECT OF; LYSOSOMAL CYSTINE TRANSPORT PROTEIN, DEFECT OF; Abderhalden Lignac Kaufmann disease; Abderhalden-Kaufmann-Lignac syndrome. Identifiers: Orphanet 213, Orphanet 411629, MedGen C2931187, MONDO:0100151, OMIM 219800.

Allele frequency attached by ClinVar (database versions not stated): gnomAD exomes below 0.00001.

Submission:

Dubai Health Genomic Medicine Center, Dubai Health
Classification: Uncertain significance for Nephropathic cystinosis. Last evaluated: 2020-12-07. Review status: criteria provided, single submitter. Criteria: ACMG Guidelines, 2015. Collection method: clinical testing. Allele origin: germline. Affected: yes.
Comment: The p.Phe354Leu missense variant in the CTNS gene has not been previously reported in affected individuals and was absent from large population studies such as the Genome Aggregation Database (gnomAD) and the Greater Middle East (GME) variome database. Computational prediction tools and conservation analysis do not suggest an impact to protein function though this information is not predictive enough to rule out pathogenicity. In summary more information is needed to full assess the clinical significance of this variant.

NM_004937.3(CTNS):c.1062C>A (p.Phe354Leu)

Gene: CTNS (cystinosin, lysosomal cystine transporter; plus strand). Cytogenetic location: 17p13.2.
Variant type: single nucleotide variant.
Coding change: c.1062C>A on transcript NM_004937.3 (MANE Select); coding-DNA position 1062, C replaced by A.
Protein change: p.Phe354Leu; replaces phenylalanine 354 with leucine.
Molecular consequence: missense variant.
Genome position (GRCh38, 1-based): chr17:3,660,327, C>A. VCF-style: chr17-3660327-C-A. GRCh37 (hg19) VCF-style: chr17-3563621-C-A.
Other names: c.1062C>A, p.Phe354Leu (NM_001031681.3, NM_001374492.1); c.621C>A, p.Phe207Leu (NM_001374493.1, NM_001374494.1, NM_001374495.1 and 1 more transcripts); short protein forms F207L, F354L.
Identifiers: ClinVar variation 1301671 (VCV001301671.2), dbSNP rs762508287, ClinGen allele CA397694391.